The following is an entry in ClinVar:

ClinVar aggregate classification (germline): Likely benign (1 of 4 stars; one submission).

gnomAD v4.1: 4,296 of 1,605,042 alleles (0.27%); highest among the groups gnomAD compares: Non-Finnish European, 0.3%; 5 homozygotes.

Submission:

CeGaT Center for Human Genetics Tuebingen
Classification: Likely benign. Last evaluated: 2026-02-01. Review status: criteria provided, single submitter. Criteria: CeGaT Center For Human Genetics Tuebingen Variant Classification Criteria Version 2. Collection method: clinical testing. Allele origin: germline. Affected: yes. Observed: 2 variant alleles.
Comment: TBC1D2B: BP4

NM_144572.2(TBC1D2B):c.2764G>A (p.Ala922Thr)

Gene: TBC1D2B (TBC1 domain family member 2B; minus strand). Cytogenetic location: 15q24.3.
Variant type: single nucleotide variant.
Coding change: c.2764G>A on transcript NM_144572.2 (MANE Select); coding-DNA position 2764, G replaced by A.
Protein change: p.Ala922Thr; replaces alanine 922 with threonine.
Molecular consequence: missense variant. On other transcripts: synonymous variant (1).
Genome position (GRCh38, 1-based): chr15:77,998,288, C>T on the plus strand (G>A on the coding strand, the complement: TBC1D2B is on the minus strand). VCF-style: chr15-77998288-C-T. GRCh37 (hg19) VCF-style: chr15-78290630-C-T.
Other names: c.2764G>A, p.Ala922Thr (NM_001387142.1, NM_001387144.1); c.2761G>A, p.Ala921Thr (NM_001387143.1); c.2428G>A, p.Ala810Thr (NM_001387145.1, NM_001387146.1, NM_001387147.1 and 1 more transcripts); c.2314G>A, p.Ala772Thr (NM_001387149.1); c.2712G>A, p.Ala904= (NM_015079.6); short protein forms A772T, A810T, A921T, A922T.
Identifiers: ClinVar variation 3388163 (VCV003388163.14).